The following is an entry in ClinVar:

ClinVar aggregate classification (germline): Uncertain significance (1 of 4 stars; one submission).

Conditions:
Brugada syndrome 8 (BRGDA8). Identifiers: Orphanet 130, MedGen C2751083, MONDO:0013148, OMIM 613123.

Allele frequency attached by ClinVar (database versions not stated): TOPMed below 0.00001; gnomAD 0.00001.
gnomAD v4.1: 2 of 1,607,556 alleles (0.00012%); highest among the groups gnomAD compares: East Asian, 0.0022%; no homozygotes.

Submission:

Labcorp Genetics (formerly Invitae), Labcorp
Classification: Uncertain significance for Brugada syndrome 8. Last evaluated: 2023-07-12. Review status: criteria provided, single submitter. Criteria: Invitae Variant Classification Sherloc (09022015). Collection method: clinical testing. Allele origin: germline.
Comment: In summary, the available evidence is currently insufficient to determine the role of this variant in disease. Therefore, it has been classified as a Variant of Uncertain Significance. Advanced modeling of protein sequence and biophysical properties (such as structural, functional, and spatial information, amino acid conservation, physicochemical variation, residue mobility, and thermodynamic stability) performed at Invitae indicates that this missense variant is not expected to disrupt HCN4 protein function. ClinVar contains an entry for this variant (Variation ID: 1925706). This variant has not been reported in the literature in individuals affected with HCN4-related conditions. This variant is not present in population databases (gnomAD no frequency). This sequence change replaces threonine, which is neutral and polar, with isoleucine, which is neutral and non-polar, at codon 766 of the HCN4 protein (p.Thr766Ile).

NM_005477.3(HCN4):c.2297C>T (p.Thr766Ile)

Gene: HCN4 (hyperpolarization activated cyclic nucleotide gated potassium channel 4; minus strand). Cytogenetic location: 15q24.1.
Variant type: single nucleotide variant.
Coding change: c.2297C>T on transcript NM_005477.3 (MANE Select); coding-DNA position 2297, C replaced by T.
Protein change: p.Thr766Ile; replaces threonine 766 with isoleucine.
Molecular consequence: missense variant.
Genome position (GRCh38, 1-based): chr15:73,323,796, G>A on the plus strand (C>T on the coding strand, the complement: HCN4 is on the minus strand). VCF-style: chr15-73323796-G-A. GRCh37 (hg19) VCF-style: chr15-73616137-G-A.
Other names: short protein forms T766I.
Identifiers: ClinVar variation 1925706 (VCV001925706.5), dbSNP rs1333508555, ClinGen allele CA393089165.
Genomic context (GRCh38, chr15:73,323,796, plus strand): 5'-GCGGCAGCCTGCAGTGGTGCCTGGATCAGCGGGGTCCAGATGACGGGCGTGGGGGTTGGG[G>A]TGGCAGAGGCAGCAGCCTGGACGCGGTGCGCGCAGTGGGCCATCTCCCGGTCATGCTGCA-3'
Protein context (NP_005468.1, residues 756-776): AHRVQAAASA[Thr766Ile]PTPTPVIWTP